The following is an entry in ClinVar:

ClinVar aggregate classification (germline): Uncertain significance (1 of 4 stars; one submission).

Submission:

GeneDx
Classification: Uncertain significance. Last evaluated: 2025-07-30. Review status: criteria provided, single submitter. Criteria: GeneDx Variant Classification Process June 2021. Collection method: clinical testing. Allele origin: germline. Affected: yes.
Comment: Not observed at significant frequency in large population cohorts (gnomAD); In silico analysis suggests that this missense variant does not alter protein structure/function; Has not been previously published as pathogenic or benign to our knowledge

NM_001849.4(COL6A2):c.2248C>A (p.Arg750Ser)

Gene: COL6A2 (collagen type VI alpha 2 chain; plus strand). Cytogenetic location: 21q22.3.
Variant type: single nucleotide variant.
Coding change: c.2248C>A on transcript NM_001849.4 (MANE Select); coding-DNA position 2248, C replaced by A.
Protein change: p.Arg750Ser; replaces arginine 750 with serine.
Molecular consequence: missense variant.
Genome position (GRCh38, 1-based): chr21:46,126,063, C>A. VCF-style: chr21-46126063-C-A. GRCh37 (hg19) VCF-style: chr21-47545977-C-A.
Other names: c.2248C>A, p.Arg750Ser (NM_058174.3, NM_058175.3); short protein forms R750S.
Identifiers: ClinVar variation 4690036 (VCV004690036.1).